The following is an entry in ClinVar:

ClinVar aggregate classification (germline): Conflicting classifications of pathogenicity. Review status: criteria provided, conflicting classifications (1 of 4 stars). 3 submissions from 3 submitters: Likely pathogenic (1); Uncertain significance (2). Last evaluated 2026-05-15.

Conditions:
Hereditary cancer-predisposing syndrome. Also called: Hereditary neoplastic syndrome; Neoplastic Syndromes, Hereditary; Hereditary Cancer Syndrome; Tumor predisposition. Identifiers: Orphanet 140162, MedGen C0027672, MeSH D009386, MONDO:0015356.
Ovarian cancer. Also called: OVARIAN CANCER, SOMATIC. Identifiers: Orphanet 213500, MedGen C1140680, MONDO:0008170, OMIM 167000.
Gastrointestinal stromal tumor. Also called: Gastrointestinal stromal tumor, somatic; Gastrointestinal stroma tumor. Identifiers: Orphanet 44890, MedGen C0238198, MeSH D046152, MONDO:0011719, OMIM 606764, HP:0100723.

Allele frequency attached by ClinVar (database versions not stated): TOPMed below 0.00001; gnomAD 0.00001; gnomAD exomes below 0.00001.
gnomAD v4.1: 8 of 1,613,974 alleles (0.0005%); highest among the groups gnomAD compares: East Asian, 0.0022%; no homozygotes.

Submissions (3):

Ambry Genetics
Classification: Uncertain significance for Hereditary cancer-predisposing syndrome. Last evaluated: 2026-05-15. Review status: criteria provided, single submitter. Criteria: Ambry Variant Classification Scheme 2023. Collection method: clinical testing. Allele origin: germline.
Comment: The p.I707V variant (also known as c.2119A>G), located in coding exon 14 of the PDGFRA gene, results from an A to G substitution at nucleotide position 2119. The isoleucine at codon 707 is replaced by valine, an amino acid with highly similar properties. This amino acid position is highly conserved in available vertebrate species. In addition, the in silico prediction for this alteration is inconclusive. Based on the available evidence, the clinical significance of this variant remains unclear.

Labcorp Genetics (formerly Invitae), Labcorp
Classification: Uncertain significance for Gastrointestinal stromal tumor. Last evaluated: 2025-12-28. Review status: criteria provided, single submitter. Criteria: Invitae Variant Classification Sherloc (09022015). Collection method: clinical testing. Allele origin: germline.
Comment: This sequence change replaces isoleucine, which is neutral and non-polar, with valine, which is neutral and non-polar, at codon 707 of the PDGFRA protein (p.Ile707Val). This variant is present in population databases (no rsID available, gnomAD 0.006%). This variant has not been reported in the literature in individuals affected with PDGFRA-related conditions. ClinVar contains an entry for this variant (Variation ID: 935116). Invitae Evidence Modeling of protein sequence and biophysical properties (such as structural, functional, and spatial information, amino acid conservation, physicochemical variation, residue mobility, and thermodynamic stability) indicates that this missense variant is not expected to disrupt PDGFRA protein function with a negative predictive value of 80%. In summary, the available evidence is currently insufficient to determine the role of this variant in disease. Therefore, it has been classified as a Variant of Uncertain Significance.

Laboratory of Molecular Epidemiology of Birth Defects, West China Second University Hospital, Sichuan University
Classification: Likely pathogenic for Ovarian cancer. Last evaluated: 2022-01-01. Review status: criteria provided, single submitter. Criteria: ACMG Guidelines, 2015. Collection method: clinical testing. Allele origin: germline. Affected: yes.

NM_006206.6(PDGFRA):c.2119A>G (p.Ile707Val)

Gene: PDGFRA (platelet derived growth factor receptor alpha; plus strand). Cytogenetic location: 4q12.
Variant type: single nucleotide variant.
Coding change: c.2119A>G on transcript NM_006206.6 (MANE Select); coding-DNA position 2119, A replaced by G.
Protein change: p.Ile707Val; replaces isoleucine 707 with valine.
Molecular consequence: missense variant.
Genome position (GRCh38, 1-based): chr4:54,278,478, A>G. VCF-style: chr4-54278478-A-G. GRCh37 (hg19) VCF-style: chr4-55144645-A-G.
Other names: c.2119A>G (NM_006206.5); c.2119A>G, p.Ile707Val (NM_001347827.2, NM_001347829.2); c.2194A>G, p.Ile732Val (NM_001347828.2); c.2158A>G, p.Ile720Val (NM_001347830.2); short protein forms I720V, I732V, I707V.
Identifiers: ClinVar variation 935116 (VCV000935116.13), dbSNP rs1318827602, ClinGen allele CA356894091.